The following is an entry in ClinVar:

NM_003995.4(NPR2):c.2360G>A (p.Arg787Gln)

Gene: NPR2 (natriuretic peptide receptor 2; plus strand). Cytogenetic location: 9p13.3.
Variant type: single nucleotide variant.
Coding change: c.2360G>A on transcript NM_003995.4 (MANE Select); coding-DNA position 2360, G replaced by A.
Protein change: p.Arg787Gln; replaces arginine 787 with glutamine.
Molecular consequence: missense variant.
Genome position (GRCh38, 1-based): chr9:35,806,221, G>A. VCF-style: chr9-35806221-G-A. GRCh37 (hg19) VCF-style: chr9-35806218-G-A.
Other names: c.2369G>A, p.Arg790Gln (NM_001378923.1); short protein forms R787Q, R790Q.
Identifiers: ClinVar variation 1062716 (VCV001062716.12), dbSNP rs370822948, ClinGen allele CA5051949.

ClinVar aggregate classification (germline): Uncertain significance (1 of 4 stars; one submission).

Conditions:
Acromesomelic dysplasia 1, Maroteaux type (AMD1). Also called: ACROMESOMELIC DYSPLASIA 1; ST. HELENA DYSPLASIA. Identifiers: Orphanet 40, MedGen C1864356, MONDO:0011275, OMIM 602875.
Tall stature-scoliosis-macrodactyly of the great toes syndrome. Also called: Epiphyseal chondrodysplasia, miura type. Identifiers: Orphanet 329191, MedGen C4014690, MONDO:0014401, OMIM 615923.

Allele frequency attached by ClinVar (database versions not stated): gnomAD exomes below 0.00001; TOPMed 0.00001; ExAC 0.00002; ESP Exome Variant Server 0.00008.
gnomAD v4.1: 14 of 1,614,164 alleles (0.00087%); highest among the groups gnomAD compares: East Asian, 0.0045%; no homozygotes.

Submission:

Labcorp Genetics (formerly Invitae), Labcorp
Classification: Uncertain significance for Tall stature-scoliosis-macrodactyly of the great toes syndrome; Acromesomelic dysplasia 1, Maroteaux type. Last evaluated: 2023-05-13. Review status: criteria provided, single submitter. Criteria: Invitae Variant Classification Sherloc (09022015). Collection method: clinical testing. Allele origin: germline.
Comment: In summary, the available evidence is currently insufficient to determine the role of this variant in disease. Therefore, it has been classified as a Variant of Uncertain Significance. Advanced modeling of protein sequence and biophysical properties (such as structural, functional, and spatial information, amino acid conservation, physicochemical variation, residue mobility, and thermodynamic stability) performed at Invitae indicates that this missense variant is not expected to disrupt NPR2 protein function. ClinVar contains an entry for this variant (Variation ID: 1062716). This variant has not been reported in the literature in individuals affected with NPR2-related conditions. This variant is present in population databases (rs370822948, gnomAD 0.002%). This sequence change replaces arginine, which is basic and polar, with glutamine, which is neutral and polar, at codon 787 of the NPR2 protein (p.Arg787Gln).